The following is an entry in ClinVar:

NM_032856.5(WDR73):c.643C>T (p.Arg215Cys)

Gene: WDR73 (WD repeat domain 73; minus strand). Cytogenetic location: 15q25.2.
Variant type: single nucleotide variant.
Coding change: c.643C>T on transcript NM_032856.5 (MANE Select); coding-DNA position 643, C replaced by T.
Protein change: p.Arg215Cys; replaces arginine 215 with cysteine.
Molecular consequence: missense variant. On other transcripts: non-coding transcript variant (4).
Genome position (GRCh38, 1-based): chr15:84,645,711, G>A on the plus strand (C>T on the coding strand, the complement: WDR73 is on the minus strand). VCF-style: chr15-84645711-G-A. GRCh37 (hg19) VCF-style: chr15-85188942-G-A.
Other names: p.Arg215Cys; short protein forms R215C.
Identifiers: ClinVar variation 2438587 (VCV002438587.5), dbSNP rs538507515, ClinGen allele CA7707282.

ClinVar aggregate classification (germline): Uncertain significance. Review status: criteria provided, multiple submitters, no conflicts (2 of 4 stars). 3 submissions from 3 submitters: Uncertain significance (3). Last evaluated 2024-05-10.

Conditions:
Galloway-Mowat syndrome 1 (GAMOS1). Identifiers: Orphanet 2065, Orphanet 83472, MedGen C4551772, MONDO:0033005, OMIM 251300.

Allele frequency attached by ClinVar (database versions not stated): TOPMed 0.00004; gnomAD 0.00006; ExAC 0.00007; 1000 Genomes Project 30x 0.00047; 1000 Genomes Project 0.00060.

Submissions (3):

Fulgent Genetics
Classification: Uncertain significance for Galloway-Mowat syndrome 1. Last evaluated: 2024-05-10. Review status: criteria provided, single submitter. Criteria: ACMG Guidelines, 2015. Collection method: clinical testing. Allele origin: germline.

Mayo Clinic Laboratories, Mayo Clinic
Classification: Uncertain significance. Last evaluated: 2024-04-12. Review status: criteria provided, single submitter. Criteria: ACMG Guidelines, 2015. Collection method: clinical testing. Allele origin: germline. Observed: 1 variant allele.
Comment: BP4, PM2_moderate

Revvity Omics, Revvity
Classification: Uncertain significance for Galloway-Mowat syndrome 1. Last evaluated: 2021-11-30. Review status: criteria provided, single submitter. Criteria: ACMG Guidelines, 2015. Collection method: clinical testing. Allele origin: germline.